The following is an entry in ClinVar:

ClinVar aggregate classification (germline): Uncertain significance. Review status: criteria provided, multiple submitters, no conflicts (2 of 4 stars). 2 submissions from 2 submitters: Uncertain significance (2). Last evaluated 2025-04-04.

Conditions:
Cardiovascular phenotype. Identifiers: MedGen CN230736.
Ehlers-Danlos syndrome, kyphoscoliotic type, 2. Also called: Ehlers-Danlos syndrome with progressive kyphoscoliosis, myopathy, and hearing loss; Ehlers-Danlos syndrome, kyphoscoliotic and deafness type; FKBP14-Kyphoscoliotic Ehlers-Danlos Syndrome. Identifiers: Orphanet 300179, MedGen C3281160, MONDO:0013800, OMIM 614557.

Allele frequency attached by ClinVar (database versions not stated): ExAC 0.00001; gnomAD exomes 0.00002 and 0.00005; TOPMed 0.00007; gnomAD 0.00008 and 0.00009.

Submissions (2):

Ambry Genetics
Classification: Uncertain significance for Cardiovascular phenotype. Last evaluated: 2025-04-04. Review status: criteria provided, single submitter. Criteria: Ambry Variant Classification Scheme 2023. Collection method: clinical testing. Allele origin: germline.

Labcorp Genetics (formerly Invitae), Labcorp
Classification: Uncertain significance for Ehlers-Danlos syndrome, kyphoscoliotic type, 2. Last evaluated: 2022-08-16. Review status: criteria provided, single submitter. Criteria: Invitae Variant Classification Sherloc (09022015). Collection method: clinical testing. Allele origin: germline.
Comment: This sequence change replaces glycine, which is neutral and non-polar, with aspartic acid, which is acidic and polar, at codon 60 of the FKBP14 protein (p.Gly60Asp). This variant is present in population databases (rs781073404, gnomAD 0.04%). This variant has not been reported in the literature in individuals affected with FKBP14-related conditions. ClinVar contains an entry for this variant (Variation ID: 1035149). Algorithms developed to predict the effect of missense changes on protein structure and function are either unavailable or do not agree on the potential impact of this missense change (SIFT: "Tolerated"; PolyPhen-2: "Probably Damaging"; Align-GVGD: "Class C0"). In summary, the available evidence is currently insufficient to determine the role of this variant in disease. Therefore, it has been classified as a Variant of Uncertain Significance.

NM_017946.4(FKBP14):c.179G>A (p.Gly60Asp)

Genes: FKBP14 (FKBP prolyl isomerase 14; minus strand), FKBP14-AS1 (FKBP14 antisense RNA 1; plus strand). Cytogenetic location: 7p14.3.
Variant type: single nucleotide variant.
Coding change: c.179G>A on transcript NM_017946.4 (MANE Select); coding-DNA position 179, G replaced by A.
Protein change: p.Gly60Asp; replaces glycine 60 with aspartic acid.
Molecular consequence: missense variant. On other transcripts: non-coding transcript variant (2).
Genome position (GRCh38, 1-based): chr7:30,026,330, C>T on the plus strand (G>A on the coding strand, the complement: FKBP14 is on the minus strand). VCF-style: chr7-30026330-C-T. GRCh37 (hg19) VCF-style: chr7-30065946-C-T.
Other names: c.179G>A (NM_017946.2); short protein forms G60D.
Identifiers: ClinVar variation 1035149 (VCV001035149.8), dbSNP rs781073404, ClinGen allele CA4203487.